The following is an entry in ClinVar:

NM_000370.3(TTPA):c.794A>C (p.Lys265Thr)

Gene: TTPA (alpha tocopherol transfer protein; minus strand). Cytogenetic location: 8q12.3.
Variant type: single nucleotide variant.
Coding change: c.794A>C on transcript NM_000370.3 (MANE Select); coding-DNA position 794, A replaced by C.
Protein change: p.Lys265Thr; replaces lysine 265 with threonine.
Molecular consequence: missense variant.
Genome position (GRCh38, 1-based): chr8:63,061,295, T>G on the plus strand (A>C on the coding strand, the complement: TTPA is on the minus strand). VCF-style: chr8-63061295-T-G. GRCh37 (hg19) VCF-style: chr8-63973854-T-G.
Other names: c.446A>C, p.Lys149Thr (NM_001413414.1); c.*51A>C (NM_001413415.1); c.*696A>C (NM_001413416.1); c.335A>C, p.Lys112Thr (NM_001413417.1); c.911A>C, p.Lys304Thr (NM_001413418.1); short protein forms K112T, K149T, K304T, K265T.
Identifiers: ClinVar variation 2113141 (VCV002113141.2), dbSNP rs1054682249, ClinGen allele CA178382654.

ClinVar aggregate classification (germline): Uncertain significance. Review status: criteria provided, single submitter (1 of 4 stars). 2 submissions from 2 submitters: Uncertain significance (1). 1 of the submissions does not count toward it. Last evaluated 2022-03-16.

Conditions:
Familial isolated deficiency of vitamin E (AVED). Also called: ATAXIA, FRIEDREICH-LIKE, WITH SELECTIVE VITAMIN E DEFICIENCY; Ataxia with isolated vitamin E deficiency. Identifiers: Orphanet 96, MedGen C1848533, MONDO:0010188, OMIM 277460.

Submissions (2):

Labcorp Genetics (formerly Invitae), Labcorp
Classification: Uncertain significance. Last evaluated: 2022-03-16. Review status: criteria provided, single submitter. Criteria: Invitae Variant Classification Sherloc (09022015). Collection method: clinical testing. Allele origin: germline.
Comment: This sequence change replaces lysine, which is basic and polar, with threonine, which is neutral and polar, at codon 265 of the TTPA protein (p.Lys265Thr). This variant is not present in population databases (gnomAD no frequency). This variant has not been reported in the literature in individuals affected with TTPA-related conditions. Algorithms developed to predict the effect of missense changes on protein structure and function are either unavailable or do not agree on the potential impact of this missense change (SIFT: "Deleterious"; PolyPhen-2: "Benign"; Align-GVGD: "Class C0"). In summary, the available evidence is currently insufficient to determine the role of this variant in disease. Therefore, it has been classified as a Variant of Uncertain Significance.

Natera, Inc.
Classification: Uncertain significance for Ataxia with isolated vitamin E deficiency. Last evaluated: 2025-01-16. Review status: no assertion criteria provided. Collection method: clinical testing. Allele origin: germline. Not counted in ClinVar's aggregate classification.